The following is an entry in ClinVar:

ClinVar aggregate classification (germline): Pathogenic (3 of 4 stars; one submission).

Conditions:
Glanzmann thrombasthenia. Also called: BLEEDING DISORDER, PLATELET-TYPE, 2; THROMBASTHENIA OF GLANZMANN AND NAEGELI; PLATELET GLYCOPROTEIN IIb-IIIa DEFICIENCY; Glanzmann's thrombasthenia; Thrombasthenia. Identifiers: Orphanet 849, MedGen C0040015, MONDO:0100326.

Submission:

ClinGen Platelet Disorders Variant Curation Expert Panel, ClinGen
Classification: Pathogenic for Glanzmann thrombasthenia. Last evaluated: 2023-11-02. Review status: reviewed by expert panel. Criteria: ClinGen Platelet ACMG Specifications v2-1. Collection method: curation. Allele origin: germline. Inheritance: Autosomal recessive inheritance.
Comment: Multiple lines of computational evidence support a deleterious effect with a REVEL score of 0.963 (PP3). The variant is absent from population databases, including gnomADv2.1.1 (PM2_supporting). Functional studies show reduced binding to fibrinogen when expressed in CHO cells (PMID: 14690453; PS3). In summary this variant meets criteria to be classified as Pathogenic for autosomal recessive Glanzmann thrombasthenia. GT-specific criteria applied: PP4_moderate, PP3, PP1, PM2_supporting, PM3, PS3.

Literature cited by the submitters: PubMed 14690453.

NM_000212.3(ITGB3):c.629G>C (p.Cys210Ser)

Genes: ITGB3 (integrin subunit beta 3; plus strand), LOC130061043 (ATAC-STARR-seq lymphoblastoid active region 12307; plus strand). Cytogenetic location: 17q21.32.
Variant type: single nucleotide variant.
Coding change: c.629G>C on transcript NM_000212.3 (MANE Select); coding-DNA position 629, G replaced by C.
Protein change: p.Cys210Ser; replaces cysteine 210 with serine.
Molecular consequence: missense variant.
Genome position (GRCh38, 1-based): chr17:47,286,274, G>C. VCF-style: chr17-47286274-G-C. GRCh37 (hg19) VCF-style: chr17-45363640-G-C.
Other names: short protein forms C210S.
Identifiers: ClinVar variation 953047 (VCV000953047.4), dbSNP rs2065102210, ClinGen allele CA400023389.